The following is an entry in ClinVar:

ClinVar aggregate classification (germline): Likely pathogenic (1 of 4 stars; one submission).

Conditions:
Primary ciliary dyskinesia. Also called: Ciliary dyskinesia. Identifiers: Orphanet 244, MedGen C0008780, MONDO:0016575, HP:0012265.

Submission:

Labcorp Genetics (formerly Invitae), Labcorp
Classification: Likely pathogenic for Primary ciliary dyskinesia. Last evaluated: 2023-10-19. Review status: criteria provided, single submitter. Criteria: Invitae Variant Classification Sherloc (09022015). Collection method: clinical testing. Allele origin: germline.
Comment: This sequence change affects a donor splice site in intron 7 of the CCDC39 gene. It is expected to disrupt RNA splicing. Variants that disrupt the donor or acceptor splice site typically lead to a loss of protein function (PMID: 16199547), and loss-of-function variants in CCDC39 are known to be pathogenic (PMID: 21131972, 23255504). This variant is not present in population databases (gnomAD no frequency). This variant has not been reported in the literature in individuals affected with CCDC39-related conditions. Algorithms developed to predict the effect of sequence changes on RNA splicing suggest that this variant may disrupt the consensus splice site. In summary, the currently available evidence indicates that the variant is pathogenic, but additional data are needed to prove that conclusively. Therefore, this variant has been classified as Likely Pathogenic.

Literature cited by the submitters: PubMed 16199547; PubMed 21131972; PubMed 23255504.

NM_181426.2(CCDC39):c.930+1G>A

Gene: CCDC39 (coiled-coil domain 39 molecular ruler complex subunit; minus strand). Cytogenetic location: 3q26.33.
Variant type: single nucleotide variant.
Coding change: c.930+1G>A on transcript NM_181426.2 (MANE Select); the canonical splice donor site of the intron after coding-DNA position 930, G replaced by A.
Molecular consequence: splice donor variant.
Genome position (GRCh38, 1-based): chr3:180,654,761, C>T on the plus strand (G>A on the coding strand, the complement: CCDC39 is on the minus strand). VCF-style: chr3-180654761-C-T. GRCh37 (hg19) VCF-style: chr3-180372549-C-T.
Identifiers: ClinVar variation 2793567 (VCV002793567.3), dbSNP rs1711543098, ClinGen allele CA355300225.